The following is an entry in ClinVar:

ClinVar aggregate classification (germline): Uncertain significance (1 of 4 stars; one submission).

Conditions:
Juvenile polyposis/hereditary hemorrhagic telangiectasia syndrome (JPHT). Also called: Juvenile Polyposis Syndrome / Hereditary Hemorrhagic Telangiectasia (JPS/HHT); JP/HHT SYNDROME; JUVENILE POLYPOSIS WITH HEREDITARY HEMORRHAGIC TELANGIECTASIA; POLYPOSIS, GENERALIZED JUVENILE, WITH PULMONARY ARTERIOVENOUS MALFORMATION; TELANGIECTASIA, HEREDITARY HEMORRHAGIC, WITH JUVENILE POLYPOSIS COLI. Identifiers: Orphanet 2929, MedGen C1832942, MONDO:0008278, OMIM 175050.

Submission:

All of Us Research Program, National Institutes of Health
Classification: Uncertain significance for Juvenile polyposis/hereditary hemorrhagic telangiectasia syndrome. Last evaluated: 2024-01-11. Review status: criteria provided, single submitter. Criteria: ACMG Guidelines, 2015. Collection method: clinical testing. Allele origin: germline. Inheritance: Autosomal dominant inheritance. Observed: 1 variant allele, 1 heterozygote.
Comment: This study involves interpretation of variants in research participants for the purpose of population health screening. Participant phenotype was not available at the time of variant classification. Additional details can be found in publication PMID: 35346344, PMCID: PMC8962531

NM_005359.6(SMAD4):c.1657T>C (p.Ter553Arg)

Gene: SMAD4 (SMAD family member 4; plus strand). Cytogenetic location: 18q21.2.
Variant type: single nucleotide variant.
Coding change: c.1657T>C on transcript NM_005359.6 (MANE Select); coding-DNA position 1657, T replaced by C.
Protein change: p.Ter553Arg.
Molecular consequence: stop lost. On other transcripts: non-coding transcript variant (1).
Genome position (GRCh38, 1-based): chr18:51,078,465, T>C. VCF-style: chr18-51078465-T-C. GRCh37 (hg19) VCF-style: chr18-48604835-T-C.
Other names: c.1657T>C, p.Ter553Arg (NM_001407041.1, NM_001407042.1).
Identifiers: ClinVar variation 3075009 (VCV003075009.1), dbSNP rs2144479895, ClinGen allele CA402466246.